The following is an entry in ClinVar:

ClinVar aggregate classification (germline): Uncertain significance (1 of 4 stars; one submission).

Allele frequency attached by ClinVar (database versions not stated): gnomAD exomes below 0.00001.
gnomAD v4.1: 2 of 1,442,266 alleles (0.00014%); highest among the groups gnomAD compares: African/African-American, 0.003%; no homozygotes.

Submission:

Labcorp Genetics (formerly Invitae), Labcorp
Classification: Uncertain significance. Last evaluated: 2023-08-08. Review status: criteria provided, single submitter. Criteria: Invitae Variant Classification Sherloc (09022015). Collection method: clinical testing. Allele origin: germline.
Comment: This sequence change replaces proline, which is neutral and non-polar, with leucine, which is neutral and non-polar, at codon 1283 of the GRIN2D protein (p.Pro1283Leu). In summary, the available evidence is currently insufficient to determine the role of this variant in disease. Therefore, it has been classified as a Variant of Uncertain Significance. Advanced modeling of protein sequence and biophysical properties (such as structural, functional, and spatial information, amino acid conservation, physicochemical variation, residue mobility, and thermodynamic stability) performed at Invitae indicates that this missense variant is not expected to disrupt GRIN2D protein function. This variant has not been reported in the literature in individuals affected with GRIN2D-related conditions. This variant is not present in population databases (gnomAD no frequency).

NM_000836.4(GRIN2D):c.3848C>T (p.Pro1283Leu)

Gene: GRIN2D (glutamate ionotropic receptor NMDA type subunit 2D; plus strand). Cytogenetic location: 19q13.33.
Variant type: single nucleotide variant.
Coding change: c.3848C>T on transcript NM_000836.4 (MANE Select); coding-DNA position 3848, C replaced by T.
Protein change: p.Pro1283Leu; replaces proline 1283 with leucine.
Molecular consequence: missense variant.
Genome position (GRCh38, 1-based): chr19:48,443,774, C>T. VCF-style: chr19-48443774-C-T. GRCh37 (hg19) VCF-style: chr19-48947031-C-T.
Other names: short protein forms P1283L.
Identifiers: ClinVar variation 2799704 (VCV002799704.3), dbSNP rs974342522, ClinGen allele CA406678596.